The following is an entry in ClinVar:

NM_000051.4(ATM):c.3993+8T>G

Gene: ATM (ATM serine/threonine kinase; plus strand). Cytogenetic location: 11q22.3.
Variant type: single nucleotide variant.
Coding change: c.3993+8T>G on transcript NM_000051.4 (MANE Select); 8 bases into the intron after coding-DNA position 3993, T replaced by G.
Molecular consequence: intron variant.
Genome position (GRCh38, 1-based): chr11:108,284,481, T>G. VCF-style: chr11-108284481-T-G. GRCh37 (hg19) VCF-style: chr11-108155208-T-G.
Other names: c.3993+8T>G (NM_001351834.2).
Identifiers: ClinVar variation 3253891 (VCV003253891.3), dbSNP rs2135710391.

ClinVar aggregate classification (germline): Likely benign. Review status: criteria provided, multiple submitters, no conflicts (2 of 4 stars). 2 submissions from 2 submitters: Likely benign (2). Last evaluated 2024-07-22.

Conditions:
Ataxia-telangiectasia syndrome (AT). Also called: LOUIS-BAR SYNDROME; Cerebello-oculocutaneous telangiectasia; Immunodeficiency with ataxia telangiectasia; AT, COMPLEMENTATION GROUP C; Ataxia-telangiectasia, complementation group D; ATAXIA-TELANGIECTASIA, COMPLEMENTATION GROUP A. Identifiers: Orphanet 100, MedGen C0004135, MONDO:0008840, OMIM 208900.
Familial cancer of breast. Also called: BREAST CANCER, FAMILIAL; hereditary breast carcinoma; Hereditary breast cancer. Identifiers: Orphanet 227535, MedGen C0346153, MONDO:0016419, OMIM 114480. Disease mechanism: loss of function.

Submissions (2):

Labcorp Genetics (formerly Invitae), Labcorp
Classification: Likely benign for Ataxia-telangiectasia syndrome. Last evaluated: 2024-07-22. Review status: criteria provided, single submitter. Criteria: Invitae Variant Classification Sherloc (09022015). Collection method: clinical testing. Allele origin: germline.

Myriad Genetics, Inc.
Classification: Likely benign for Familial cancer of breast. Last evaluated: 2024-05-16. Review status: criteria provided, single submitter. Criteria: Myriad Autosomal Dominant, Autosomal Recessive and X-Linked Classification Criteria (2023). Collection method: clinical testing. Allele origin: unknown.
Comment: This variant is considered likely benign. This variant is intronic and is not expected to impact mRNA splicing.